The following is an entry in ClinVar:

ClinVar aggregate classification (germline): Conflicting classifications of pathogenicity. Review status: criteria provided, conflicting classifications (1 of 4 stars). 20 submissions from 16 submitters: Uncertain significance (6); Benign (4); Likely benign (9). 1 of the submissions does not count toward it. Last evaluated 2026-02-02.

Conditions:
TTN-related disorder. Also called: TTN-related condition; TTN-related disease; TTN-related disorders.
Cardiovascular phenotype. Identifiers: MedGen CN230736.
Dilated cardiomyopathy 1G (CMD1G). Identifiers: Orphanet 154, MedGen C1858763, MONDO:0011400, OMIM 604145.
Autosomal recessive limb-girdle muscular dystrophy type 2J (LGMDR10). Also called: Limb-girdle muscular dystrophy, type 2J; MUSCULAR DYSTROPHY, LIMB-GIRDLE, AUTOSOMAL RECESSIVE 10. Identifiers: Orphanet 140922, MedGen C1837342, MONDO:0012127, OMIM 608807.
Cardiomyopathy (CMYO). Also called: Cardiomyopathies. Identifiers: Orphanet 167848, MedGen C0878544, MONDO:0004994, HP:0001638. Inheritance: Various modes of inheritance.
Early-onset myopathy with fatal cardiomyopathy (CMYO5). Also called: Salih Myopathy; CONGENITAL MYOPATHY 5 WITH CARDIOMYOPATHY. Identifiers: Orphanet 289377, MedGen C2673677, MONDO:0012714, OMIM 611705. Disease mechanism: loss of function.
Myopathy, myofibrillar, 9, with early respiratory failure (MFM9). Also called: Hereditary myopathy with early respiratory failure; Myopathy, distal, with early respiratory failure, autosomal dominant; EDSTROM MYOPATHY; MYOPATHY, PROXIMAL, WITH EARLY RESPIRATORY MUSCLE INVOLVEMENT. Identifiers: Orphanet 178464, Orphanet 34521, MedGen C1863599, MONDO:0011362, OMIM 603689.
Tibial muscular dystrophy (TMD). Also called: Udd Distal Myopathy – Tibial Muscular Dystrophy; Tibial muscular dystrophy, tardive; UDD MYOPATHY. Identifiers: Orphanet 609, MedGen C1838244, MONDO:0010870, OMIM 600334.

Allele frequency attached by ClinVar (database versions not stated): 1000 Genomes Project 30x 0.00047; ESP Exome Variant Server 0.00057; 1000 Genomes Project 0.00060; gnomAD 0.00061 and 0.00062; gnomAD exomes 0.00063; TOPMed 0.00076; ExAC 0.00089.
gnomAD v4.1: 1,980 of 1,603,112 alleles (0.12%); highest among the groups gnomAD compares: Non-Finnish European, 0.16%; 3 homozygotes.

Submissions (20):

Labcorp Genetics (formerly Invitae), Labcorp
Classification: Likely benign for Dilated cardiomyopathy 1G; Autosomal recessive limb-girdle muscular dystrophy type 2J. Last evaluated: 2026-02-02. Review status: criteria provided, single submitter. Criteria: Invitae Variant Classification Sherloc (09022015). Collection method: clinical testing. Allele origin: germline.

Mayo Clinic Laboratories, Mayo Clinic
Classification: Likely benign. Last evaluated: 2025-08-07. Review status: criteria provided, single submitter. Criteria: ACMG Guidelines, 2015. Collection method: clinical testing. Allele origin: germline. Observed: 2 variant alleles.
Comment: BS1, BP4

Molecular Diagnostic Laboratory for Inherited Cardiovascular Disease, Montreal Heart Institute
Classification: Likely benign. Last evaluated: 2025-04-09. Review status: criteria provided, single submitter. Criteria: ACMG Guidelines, 2015. Collection method: clinical testing. Allele origin: germline. Affected: no.

Women's Health and Genetics/Laboratory Corporation of America, LabCorp
Classification: Likely benign. Last evaluated: 2025-03-14. Review status: criteria provided, single submitter. Criteria: LabCorp Variant Classification Summary - May 2015. Collection method: clinical testing. Allele origin: germline.

Athena Diagnostics
Classification: Likely benign. Last evaluated: 2025-01-07. Review status: criteria provided, single submitter. Criteria: Athena Diagnostics Criteria. Collection method: clinical testing. Allele origin: unknown.
Comment: The frequency of this variant in the general population is higher than would generally be expected for pathogenic variants in this gene. Computational tools predict this amino acid change may be benign.

Blueprint Genetics
Classification: Likely benign. Last evaluated: 2024-09-17. Review status: criteria provided, single submitter. Criteria: ACMG Guidelines, 2015. Collection method: clinical testing. Allele origin: germline.

CeGaT Center for Human Genetics Tuebingen
Classification: Likely benign. Last evaluated: 2022-11-01. Review status: criteria provided, single submitter. Criteria: CeGaT Center For Human Genetics Tuebingen Variant Classification Criteria Version 2. Collection method: clinical testing. Allele origin: germline. Affected: yes. Observed: 2 variant alleles.
Comment: TTN: BP4

Ambry Genetics
Classification: Likely benign for Cardiovascular phenotype. Last evaluated: 2022-03-28. Review status: criteria provided, single submitter. Criteria: Ambry Variant Classification Scheme 2023. Collection method: clinical testing. Allele origin: germline.

ARUP Laboratories, Molecular Genetics and Genomics, ARUP Laboratories
Classification: Uncertain significance. Last evaluated: 2021-03-02. Review status: criteria provided, single submitter. Criteria: ARUP Molecular Germline Variant Investigation Process 2021. Collection method: clinical testing. Allele origin: germline.
Comment: The TTN c.20798G>C; p.Gly6933Ala variant (rs200118743; ClinVar Variation ID: 46675) is rare in the general population (<0.2% allele frequency in the Genome Aggregation Database) and has not been reported in the medical literature in association with dilated cardiomyopathy (DCM) or other TTN-related disease. The clinical relevance of rare missense variants in this gene, which are identified on average once per individual sequenced in affected populations (Herman 2012), is not well understood. Yet, evidence suggests that the vast majority of such missense variants do not contribute to the clinical outcome of DCM (Begay 2015). Thus, the clinical significance of the p.Gly6933Ala variant cannot be determined with certainty.

GeneDx
Classification: Likely benign. Last evaluated: 2020-09-28. Review status: criteria provided, single submitter. Criteria: GeneDx Variant Classification Process June 2021. Collection method: clinical testing. Allele origin: germline. Affected: yes.
Comment: Missense variant in a gene in which most reported pathogenic variants are truncating/loss-of-function; In silico analysis supports that this missense variant does not alter protein structure/function; This variant is associated with the following publications: (PMID: 27930701, 23861362, 23396983)

CHEO Genetics Diagnostic Laboratory, Children's Hospital of Eastern Ontario
Classification: Benign for Cardiomyopathy. Last evaluated: 2018-03-27. Review status: criteria provided, single submitter. Criteria: ACMG Guidelines, 2015. Collection method: clinical testing. Allele origin: germline.

Laboratory for Molecular Medicine, Mass General Brigham Personalized Medicine
Classification: Benign. Last evaluated: 2018-02-09. Review status: criteria provided, single submitter. Criteria: LMM Criteria. Collection method: clinical testing. Allele origin: germline. Observed: 4 variant alleles.
Comment: proposed classification - variant undergoing re-assessment, contact laboratory

Illumina Laboratory Services, Illumina
Classification: Uncertain significance for Dilated cardiomyopathy 1G. Last evaluated: 2018-01-13. Review status: criteria provided, single submitter. Criteria: ICSL Variant Classification Criteria 13 December 2019. Collection method: clinical testing. Allele origin: germline.

Illumina Laboratory Services, Illumina
Classification: Uncertain significance for Early-onset myopathy with fatal cardiomyopathy. Last evaluated: 2018-01-13. Review status: criteria provided, single submitter. Criteria: ICSL Variant Classification Criteria 13 December 2019. Collection method: clinical testing. Allele origin: germline.

Illumina Laboratory Services, Illumina
Classification: Benign for Myopathy, myofibrillar, 9, with early respiratory failure. Last evaluated: 2018-01-13. Review status: criteria provided, single submitter. Criteria: ICSL Variant Classification Criteria 13 December 2019. Collection method: clinical testing. Allele origin: germline.
Comment: This variant was observed in the ICSL laboratory as part of a predisposition screen in an ostensibly healthy population. It had not been previously curated by ICSL or reported in the Human Gene Mutation Database (HGMD: prior to June 1st, 2018), and was therefore a candidate for classification through an automated scoring system. Utilizing variant allele frequency, disease prevalence and penetrance estimates, and inheritance mode, an automated score was calculated to assess if this variant is too frequent to cause the disease. Based on the score and internal cut-off values, a variant classified as benign is not then subjected to further curation. The score for this variant resulted in a classification of benign for this disease.

Illumina Laboratory Services, Illumina
Classification: Uncertain significance for Autosomal recessive limb-girdle muscular dystrophy type 2J. Last evaluated: 2018-01-13. Review status: criteria provided, single submitter. Criteria: ICSL Variant Classification Criteria 13 December 2019. Collection method: clinical testing. Allele origin: germline.

Illumina Laboratory Services, Illumina
Classification: Benign for Tibial muscular dystrophy. Last evaluated: 2018-01-13. Review status: criteria provided, single submitter. Criteria: ICSL Variant Classification Criteria 13 December 2019. Collection method: clinical testing. Allele origin: germline.
Comment: the same text as in the submission from Illumina Laboratory Services, Illumina above.

Eurofins Ntd Llc (ga)
Classification: Uncertain significance. Last evaluated: 2017-12-29. Review status: criteria provided, single submitter. Criteria: EGL Classification Definitions 2015. Collection method: clinical testing. Allele origin: germline. Observed: 13 variant alleles, 13 heterozygotes.

Biesecker Lab/Clinical Genomics Section, National Institutes of Health
Classification: Uncertain significance. Last evaluated: 2013-06-24. Review status: criteria provided, single submitter. Criteria: Ng et al. (Circ Cardiovasc Genet. 2013). Collection method: research. Allele origin: unknown. Observed: 1 variant allele. Study: ClinSeq.
Comment: The study set was not selected for affection status in relation to any cancer. Pathogenicity categories were based on literature curation. See Pubmed ID:23861362 for details.

Medical sequencing

PreventionGenetics, part of Exact Sciences
Classification: Likely benign for TTN-related condition. Last evaluated: 2024-08-09. Review status: no assertion criteria provided. Collection method: clinical testing. Allele origin: germline. Not counted in ClinVar's aggregate classification.
Comment: This variant is classified as likely benign based on ACMG/AMP sequence variant interpretation guidelines (Richards et al. 2015 PMID: 25741868, with internal and published modifications).

Literature cited by the submitters: PubMed 23396983 (cited by Athena Diagnostics); PubMed 23861362 (cited by Athena Diagnostics and Laboratory for Molecular Medicine, Mass General Brigham Personalized Medicine); PubMed 27930701 (cited by Athena Diagnostics); PubMed 38612618 (cited by Athena Diagnostics); PubMed 26516846 (cited by Athena Diagnostics).

NM_001267550.2(TTN):c.20798G>C (p.Gly6933Ala)

Gene: TTN (titin; minus strand). Cytogenetic location: 2q31.2.
Variant type: single nucleotide variant.
Coding change: c.20798G>C on transcript NM_001267550.2 (MANE Select); coding-DNA position 20798, G replaced by C.
Protein change: p.Gly6933Ala; replaces glycine 6933 with alanine.
Molecular consequence: missense variant. On other transcripts: intron variant (3).
Genome position (GRCh38, 1-based): chr2:178,725,406, C>G on the plus strand (G>C on the coding strand, the complement: TTN is on the minus strand). VCF-style: chr2-178725406-C-G. GRCh37 (hg19) VCF-style: chr2-179590133-C-G.
Other names: p.G6616A:GGT>GCT; p.Gly6616Ala; c.19847G>C, p.Gly6616Ala (NM_001256850.1); c.17066G>C, p.Gly5689Ala (NM_133378.4); c.13282+12676G>C (NM_003319.4); c.13858+12676G>C (NM_133437.4); c.13657+12676G>C (NM_133432.3); short protein forms G6933A, G5689A, G6616A.
Identifiers: ClinVar variation 46675 (VCV000046675.73), dbSNP rs200118743, ClinGen allele CA138930.